The following is an entry in ClinVar:

ClinVar aggregate classification (germline): Uncertain significance. Review status: criteria provided, multiple submitters, no conflicts (2 of 4 stars). 5 submissions from 5 submitters: Uncertain significance (5). Last evaluated 2025-01-20.

Conditions:
Hereditary cancer-predisposing syndrome. Also called: Hereditary Cancer Syndrome; Neoplastic Syndromes, Hereditary; Tumor predisposition; Hereditary neoplastic syndrome. Identifiers: Orphanet 140162, MedGen C0027672, MeSH D009386, MONDO:0015356.
Breast-ovarian cancer, familial, susceptibility to, 2 (BROVCA2). Also called: BRCA2 Hereditary Breast and Ovarian Cancer. Identifiers: Orphanet 145, MedGen C2675520, MONDO:0012933, OMIM 612555. Disease mechanism: loss of function.
Hereditary breast ovarian cancer syndrome. Also called: Hereditary breast and/or ovarian cancer syndrome; BRCA1- and BRCA2-Associated Hereditary Breast and Ovarian Cancer; Hereditary breast and ovarian cancer syndrome (HBOC); Hereditary breast and ovarian cancer; Hereditary breast and ovarian cancer syndrome; Breast and ovarian cancer. Identifiers: Orphanet 145, MedGen C0677776, MeSH D061325, MONDO:0003582. Disease mechanism: loss of function.

Allele frequency attached by ClinVar (database versions not stated): gnomAD exomes 0.00001.
gnomAD v4.1: 5 of 1,607,172 alleles (0.00031%); highest among the groups gnomAD compares: Non-Finnish European, 0.00034%; no homozygotes.

Submissions (5):

Ambry Genetics
Classification: Uncertain significance for Hereditary cancer-predisposing syndrome. Last evaluated: 2025-01-20. Review status: criteria provided, single submitter. Criteria: Ambry Variant Classification Scheme 2023. Collection method: clinical testing. Allele origin: germline.
Comment: The p.I2344V variant (also known as c.7030A>G), located in coding exon 13 of the BRCA2 gene, results from an A to G substitution at nucleotide position 7030. The isoleucine at codon 2344 is replaced by valine, an amino acid with highly similar properties. This alteration has been reported in a breast cancer patient (John AO et al. Eur J Hum Genet, 2024 Oct;32:1319-1326). This amino acid position is not well conserved in available vertebrate species. In addition, this alteration is predicted to be tolerated by in silico analysis. Based on the available evidence, the clinical significance of this variant remains unclear.

Labcorp Genetics (formerly Invitae), Labcorp
Classification: Uncertain significance for Hereditary breast ovarian cancer syndrome. Last evaluated: 2021-12-15. Review status: criteria provided, single submitter. Criteria: Invitae Variant Classification Sherloc (09022015). Collection method: clinical testing. Allele origin: germline.
Comment: This sequence change replaces isoleucine, which is neutral and non-polar, with valine, which is neutral and non-polar, at codon 2344 of the BRCA2 protein (p.Ile2344Val). In summary, the available evidence is currently insufficient to determine the role of this variant in disease. Therefore, it has been classified as a Variant of Uncertain Significance. Studies have shown that this missense change does not affect mRNA splicing (PMID: 31191615). Advanced modeling of protein sequence and biophysical properties (such as structural, functional, and spatial information, amino acid conservation, physicochemical variation, residue mobility, and thermodynamic stability) performed at Invitae indicates that this missense variant is not expected to disrupt BRCA2 protein function. ClinVar contains an entry for this variant (Variation ID: 229840). This variant has not been reported in the literature in individuals affected with BRCA2-related conditions. This variant is not present in population databases (gnomAD no frequency).

Color Diagnostics, LLC DBA Color Health
Classification: Uncertain significance for Hereditary cancer-predisposing syndrome. Last evaluated: 2019-01-02. Review status: criteria provided, single submitter. Criteria: ACMG Guidelines, 2015. Collection method: clinical testing. Allele origin: germline.

Women's Health and Genetics/Laboratory Corporation of America, LabCorp
Classification: Uncertain significance. Last evaluated: 2016-07-31. Review status: criteria provided, single submitter. Criteria: LabCorp Variant Classification Summary - May 2015. Collection method: clinical testing. Allele origin: germline.
Comment: Variant summary: The BRCA2 c.7030A>G (p.Ile2344Val) variant causes a missense change involving a non-conserved nucleotide with 4/4 in silico tools (SNPs&GO not captured due to low reliability index) predicting a "benign" outcome, although these predictions have yet to be functionally assessed. The variant of interest was not observed in controls (ExAC, 1000 Gs or ESP), nor has it been, to our knowledge, reported in affected individuals via publications. A reputable clinical laboratory cites the variant as "uncertain significance." Therefore, taking all available lines of evidence into consideration, the variant of interest has been classified as a "Variant of Uncertain Significance (VUS)," until additional information becomes available.

Molecular Endocrinology Laboratory, Christian Medical College
Classification: Uncertain significance for Breast-ovarian cancer, familial, susceptibility to, 2. Review status: criteria provided, single submitter. Criteria: ACMG Guidelines, 2015. Collection method: clinical testing. Allele origin: germline. Affected: yes.

Literature cited by the submitters: PubMed 38538877 (cited by Ambry Genetics); PubMed 31191615 (cited by Labcorp Genetics (formerly Invitae), Labcorp).

NM_000059.4(BRCA2):c.7030A>G (p.Ile2344Val)

Gene: BRCA2 (BRCA2 DNA repair associated; plus strand). Cytogenetic location: 13q13.1.
Variant type: single nucleotide variant.
Coding change: c.7030A>G on transcript NM_000059.4 (MANE Select); coding-DNA position 7030, A replaced by G.
Protein change: p.Ile2344Val; replaces isoleucine 2344 with valine.
Molecular consequence: missense variant.
Genome position (GRCh38, 1-based): chr13:32,354,883, A>G. VCF-style: chr13-32354883-A-G. GRCh37 (hg19) VCF-style: chr13-32929020-A-G.
Other names: short protein forms I2344V.
Identifiers: ClinVar variation 229840 (VCV000229840.15), dbSNP rs876658231, ClinGen allele CA10579719.